The following is an entry in ClinVar:

NC_000014.8:g.(?_37180503)_(37180707_?)del

Gene: SLC25A21 (solute carrier family 25 member 21; minus strand). Cytogenetic location: 14q13.3.
Variant type: Deletion.
Identifiers: ClinVar variation 2426935 (VCV002426935.4).

ClinVar aggregate classification (germline): Uncertain significance (1 of 4 stars; one submission).

Submission:

Labcorp Genetics (formerly Invitae), Labcorp
Classification: Uncertain significance. Last evaluated: 2021-11-19. Review status: criteria provided, single submitter. Criteria: Invitae Variant Classification Sherloc (09022015). Collection method: clinical testing. Allele origin: germline.
Comment: In summary, the available evidence is currently insufficient to determine the role of this variant in disease. Therefore, it has been classified as a Variant of Uncertain Significance. Experimental studies and prediction algorithms are not available or were not evaluated, and the functional significance of this variant is currently unknown. This variant has not been reported in the literature in individuals affected with SLC25A21-related conditions. This variant is a gross deletion of the genomic region encompassing exon(s) 7 of the SLC25A21 gene. This variant would be expected to be in-frame, preserving the integrity of the reading frame.